The following is an entry in ClinVar:

NM_001267550.2(TTN):c.38361G>A (p.Pro12787=)

Gene: TTN (titin; minus strand). Cytogenetic location: 2q31.2.
Variant type: single nucleotide variant.
Coding change: c.38361G>A on transcript NM_001267550.2 (MANE Select); coding-DNA position 38361, G replaced by A.
Protein change: p.Pro12787=; no amino-acid change (proline 12787 retained).
Molecular consequence: synonymous variant. On other transcripts: intron variant (5).
Genome position (GRCh38, 1-based): chr2:178,654,227, C>T on the plus strand (G>A on the coding strand, the complement: TTN is on the minus strand). VCF-style: chr2-178654227-C-T. GRCh37 (hg19) VCF-style: chr2-179518954-C-T.
Other names: c.13283-11910G>A (NM_003319.4); c.13859-11910G>A (NM_133437.4); c.13658-11910G>A (NM_133432.3); c.31742-1686G>A (NM_133378.4); c.34523-1686G>A (NM_001256850.1).
Identifiers: ClinVar variation 4980982 (VCV004980982.1).

ClinVar aggregate classification (germline): Likely benign (1 of 4 stars; one submission).

Conditions:
TTN-related disorder. Also called: TTN-related disorders; TTN-related condition; TTN-related disease.

gnomAD v4.1: 65 of 1,597,856 alleles (0.0041%); highest among the groups gnomAD compares: Middle Eastern, 0.017%; 1 homozygote.

Submission:

PreventionGenetics, part of Exact Sciences
Classification: Likely benign for TTN-related condition. Last evaluated: 2026-01-13. Review status: criteria provided, single submitter. Criteria: ACMG Guidelines, 2015. Collection method: clinical testing. Allele origin: germline.
Comment: This variant is classified as likely benign based on ACMG/AMP sequence variant interpretation guidelines (Richards et al. 2015 PMID: 25741868, with internal and published modifications).